The following is an entry in ClinVar:

ClinVar aggregate classification (germline): Uncertain significance (1 of 4 stars; one submission).

Conditions:
Mowat-Wilson syndrome (MOWS). Also called: Classic Mowat-Wilson Syndrome. Identifiers: Orphanet 2152, MedGen C1856113, MONDO:0009341, OMIM 235730.

gnomAD v4.1: 1 of 1,614,148 alleles (0.000062%); highest among the groups gnomAD compares: Non-Finnish European, 0.000085%; no homozygotes.

Submission:

Labcorp Genetics (formerly Invitae), Labcorp
Classification: Uncertain significance for Mowat-Wilson syndrome. Last evaluated: 2022-08-24. Review status: criteria provided, single submitter. Criteria: Invitae Variant Classification Sherloc (09022015). Collection method: clinical testing. Allele origin: germline.
Comment: In summary, the available evidence is currently insufficient to determine the role of this variant in disease. Therefore, it has been classified as a Variant of Uncertain Significance. Algorithms developed to predict the effect of missense changes on protein structure and function are either unavailable or do not agree on the potential impact of this missense change (SIFT: "Tolerated"; PolyPhen-2: "Probably Damaging"; Align-GVGD: "Class C0"). This variant has not been reported in the literature in individuals affected with ZEB2-related conditions. This variant is not present in population databases (gnomAD no frequency). This sequence change replaces glutamic acid, which is acidic and polar, with aspartic acid, which is acidic and polar, at codon 609 of the ZEB2 protein (p.Glu609Asp).

NM_014795.4(ZEB2):c.1827G>C (p.Glu609Asp)

Gene: ZEB2 (zinc finger E-box binding homeobox 2; minus strand). Cytogenetic location: 2q22.3.
Variant type: single nucleotide variant.
Coding change: c.1827G>C on transcript NM_014795.4 (MANE Select); coding-DNA position 1827, G replaced by C.
Protein change: p.Glu609Asp; replaces glutamic acid 609 with aspartic acid.
Molecular consequence: missense variant.
Genome position (GRCh38, 1-based): chr2:144,399,360, C>G on the plus strand (G>C on the coding strand, the complement: ZEB2 is on the minus strand). VCF-style: chr2-144399360-C-G. GRCh37 (hg19) VCF-style: chr2-145156927-C-G.
Other names: c.1755G>C, p.Glu585Asp (NM_001171653.2); short protein forms E585D, E609D.
Identifiers: ClinVar variation 2061442 (VCV002061442.4), dbSNP rs2549106489, ClinGen allele CA348710085.
Genomic context (GRCh38, chr2:144,399,360, plus strand): 5'-AACAAAAACTCCGGCTTTGTTGGGGACTATGTTTTCATGAGGCTGCAGGACCGCCTTGAT[C>G]TCTTCATTCATCTTACAAAGGTAACGTTCATGCTGATGCAAAGGGATGGGGCCAGGAAAA-3'
Protein context (NP_055610.1, residues 599-619): HERYLCKMNE[Glu609Asp]IKAVLQPHEN